The following is an entry in ClinVar:

NM_001286445.3(RIPOR2):c.1034+30T>C

Gene: RIPOR2 (RHO family interacting cell polarization regulator 2; minus strand). Cytogenetic location: 6p22.3.
Variant type: single nucleotide variant.
Coding change: c.1034+30T>C on transcript NM_001286445.3 (MANE Select); 30 bases into the intron after coding-DNA position 1034, T replaced by C.
Molecular consequence: intron variant.
Genome position (GRCh38, 1-based): chr6:24,849,772, A>G on the plus strand (T>C on the coding strand, the complement: RIPOR2 is on the minus strand). VCF-style: chr6-24849772-A-G. GRCh37 (hg19) VCF-style: chr6-24850000-A-G.
Other names: c.947+30T>C (NM_001346031.2, NM_014722.5, NM_001346032.2 and 2 more transcripts); c.1049+30T>C (NM_001286446.3).
Identifiers: ClinVar variation 4873998 (VCV004873998.2).

ClinVar aggregate classification (germline): Uncertain significance (1 of 4 stars; one submission).

gnomAD v4.1: 3 of 1,591,124 alleles (0.00019%); highest among the groups gnomAD compares: Non-Finnish European, 0.00026%; no homozygotes.

Submission:

CeGaT Center for Human Genetics Tuebingen
Classification: Uncertain significance. Last evaluated: 2026-04-01. Review status: criteria provided, single submitter. Criteria: CeGaT Center For Human Genetics Tuebingen Variant Classification Criteria Version 2. Collection method: clinical testing. Allele origin: germline. Affected: yes. Observed: 1 variant allele.
Comment: RIPOR2: PM2, BP4